The following is an entry in ClinVar:

ClinVar aggregate classification (germline): Benign. Review status: criteria provided, multiple submitters, no conflicts (2 of 4 stars). 3 submissions from 3 submitters: Benign (3). Last evaluated 2026-02-04.

Conditions:
Carnitine palmitoyl transferase 1A deficiency. Also called: Carnitine palmitoyltransferase type I deficiency; Carnitine palmitoyltransferase 1A deficiency; CPT I DEFICIENCY; CPT DEFICIENCY, HEPATIC, TYPE I; CPT deficiency, hepatic, type IA. Identifiers: Orphanet 156, MedGen C1829703, MONDO:0009705, OMIM 255120.

Allele frequency attached by ClinVar (database versions not stated): gnomAD 0.00003 and 0.00073; ESP Exome Variant Server 0.00008; TOPMed 0.00017; gnomAD exomes 0.00252; ExAC 0.00285; 1000 Genomes Project 30x 0.00578; 1000 Genomes Project 0.00679.
gnomAD v4.1: 1,919 of 1,614,058 alleles (0.12%); highest among the groups gnomAD compares: South Asian, 2%; 36 homozygotes.

Submissions (3):

Labcorp Genetics (formerly Invitae), Labcorp
Classification: Benign for Carnitine palmitoyl transferase 1A deficiency. Last evaluated: 2026-02-04. Review status: criteria provided, single submitter. Criteria: Invitae Variant Classification Sherloc (09022015). Collection method: clinical testing. Allele origin: germline.

ARUP Laboratories, Molecular Genetics and Genomics, ARUP Laboratories
Classification: Benign for Carnitine palmitoyl transferase 1A deficiency. Last evaluated: 2023-11-01. Review status: criteria provided, single submitter. Criteria: ARUP Molecular Germline Variant Investigation Process 2024. Collection method: clinical testing. Allele origin: germline.

GeneDx
Classification: Benign. Last evaluated: 2016-10-05. Review status: criteria provided, single submitter. Criteria: GeneDx Variant Classification (06012015). Collection method: clinical testing. Allele origin: germline. Affected: yes.
Comment: This variant is considered likely benign or benign based on one or more of the following criteria: it is a conservative change, it occurs at a poorly conserved position in the protein, it is predicted to be benign by multiple in silico algorithms, and/or has population frequency not consistent with disease.

NM_001876.4(CPT1A):c.1055G>A (p.Arg352Gln)

Gene: CPT1A (carnitine palmitoyltransferase 1A; minus strand). Cytogenetic location: 11q13.3.
Variant type: single nucleotide variant.
Coding change: c.1055G>A on transcript NM_001876.4 (MANE Select); coding-DNA position 1055, G replaced by A.
Protein change: p.Arg352Gln; replaces arginine 352 with glutamine.
Molecular consequence: missense variant.
Genome position (GRCh38, 1-based): chr11:68,784,923, C>T on the plus strand (G>A on the coding strand, the complement: CPT1A is on the minus strand). VCF-style: chr11-68784923-C-T. GRCh37 (hg19) VCF-style: chr11-68552391-C-T.
Other names: c.1055G>A, p.Arg352Gln (NM_001031847.3); short protein forms R352Q.
Identifiers: ClinVar variation 381411 (VCV000381411.19), dbSNP rs374383052, ClinGen allele CA6152426.